The following is an entry in ClinVar:

NM_001042492.3(NF1):c.463A>T (p.Ser155Cys)

Gene: NF1 (neurofibromin 1; plus strand). Cytogenetic location: 17q11.2.
Variant type: single nucleotide variant.
Coding change: c.463A>T on transcript NM_001042492.3 (MANE Select); coding-DNA position 463, A replaced by T.
Protein change: p.Ser155Cys; replaces serine 155 with cysteine.
Molecular consequence: missense variant.
Genome position (GRCh38, 1-based): chr17:31,163,360, A>T. VCF-style: chr17-31163360-A-T. GRCh37 (hg19) VCF-style: chr17-29490378-A-T.
Other names: c.463A>T, p.Ser155Cys (NM_000267.4, NM_001128147.3); short protein forms S155C.
Identifiers: ClinVar variation 1317381 (VCV001317381.5), dbSNP rs1272106481, ClinGen allele CA398982142.

ClinVar aggregate classification (germline): Uncertain significance. Review status: criteria provided, multiple submitters, no conflicts (2 of 4 stars). 2 submissions from 2 submitters: Uncertain significance (2). Last evaluated 2023-10-18.

Conditions:
Neurofibromatosis, type 1 (NF1). Also called: NEUROFIBROMATOSIS, TYPE I, SOMATIC; Peripheral type neurofibromatosis; Neurofibromatosis, type I; VON RECKLINGHAUSEN DISEASE. Identifiers: Orphanet 636, MedGen C0027831, MONDO:0018975, OMIM 162200. Disease mechanism: loss of function.

Allele frequency attached by ClinVar (database versions not stated): TOPMed below 0.00001.

Submissions (2):

Labcorp Genetics (formerly Invitae), Labcorp
Classification: Uncertain significance for Neurofibromatosis, type 1. Last evaluated: 2023-10-18. Review status: criteria provided, single submitter. Criteria: Invitae Variant Classification Sherloc (09022015). Collection method: clinical testing. Allele origin: germline.
Comment: This sequence change replaces serine, which is neutral and polar, with cysteine, which is neutral and slightly polar, at codon 155 of the NF1 protein (p.Ser155Cys). This variant is not present in population databases (gnomAD no frequency). This variant has not been reported in the literature in individuals affected with NF1-related conditions. ClinVar contains an entry for this variant (Variation ID: 1317381). Advanced modeling of protein sequence and biophysical properties (such as structural, functional, and spatial information, amino acid conservation, physicochemical variation, residue mobility, and thermodynamic stability) performed at Invitae indicates that this missense variant is expected to disrupt NF1 protein function. In summary, the available evidence is currently insufficient to determine the role of this variant in disease. Therefore, it has been classified as a Variant of Uncertain Significance.

GeneDx
Classification: Uncertain significance. Last evaluated: 2020-11-30. Review status: criteria provided, single submitter. Criteria: GeneDx Variant Classification Process June 2021. Collection method: clinical testing. Allele origin: germline. Affected: yes.
Comment: Not observed in large population cohorts (Lek et al., 2016); In silico analysis supports that this missense variant has a deleterious effect on protein structure/function; Has not been previously published as pathogenic or benign to our knowledge